The following is an entry in ClinVar:

NM_031935.3(HMCN1):c.5335G>C (p.Asp1779His)

Gene: HMCN1 (hemicentin 1; plus strand). Cytogenetic location: 1q31.1.
Variant type: single nucleotide variant.
Coding change: c.5335G>C on transcript NM_031935.3 (MANE Select); coding-DNA position 5335, G replaced by C.
Protein change: p.Asp1779His; replaces aspartic acid 1779 with histidine.
Molecular consequence: missense variant.
Genome position (GRCh38, 1-based): chr1:186,018,217, G>C. VCF-style: chr1-186018217-G-C. GRCh37 (hg19) VCF-style: chr1-185987349-G-C.
Other names: short protein forms D1779H.
Identifiers: ClinVar variation 1995883 (VCV001995883.4), dbSNP rs1654488505, ClinGen allele CA343890656.

ClinVar aggregate classification (germline): Uncertain significance (1 of 4 stars; one submission).

Submission:

Labcorp Genetics (formerly Invitae), Labcorp
Classification: Uncertain significance. Last evaluated: 2022-05-18. Review status: criteria provided, single submitter. Criteria: Invitae Variant Classification Sherloc (09022015). Collection method: clinical testing. Allele origin: germline.
Comment: In summary, the available evidence is currently insufficient to determine the role of this variant in disease. Therefore, it has been classified as a Variant of Uncertain Significance. Algorithms developed to predict the effect of missense changes on protein structure and function are either unavailable or do not agree on the potential impact of this missense change (SIFT: "Tolerated"; PolyPhen-2: "Probably Damaging"; Align-GVGD: "Class C0"). This variant has not been reported in the literature in individuals affected with HMCN1-related conditions. This variant is not present in population databases (gnomAD no frequency). This sequence change replaces aspartic acid, which is acidic and polar, with histidine, which is basic and polar, at codon 1779 of the HMCN1 protein (p.Asp1779His).